The following is an entry in ClinVar:

ClinVar aggregate classification (germline): Conflicting classifications of pathogenicity. Review status: criteria provided, conflicting classifications (1 of 4 stars). 2 submissions from 2 submitters: Uncertain significance (1); Likely benign (1). Last evaluated 2026-08-04.

Conditions:
Hereditary cancer-predisposing syndrome. Also called: Hereditary Cancer Syndrome; Tumor predisposition; Hereditary neoplastic syndrome; Neoplastic Syndromes, Hereditary. Identifiers: Orphanet 140162, MedGen C0027672, MeSH D009386, MONDO:0015356.
Familial cancer of breast. Also called: Hereditary breast cancer; hereditary breast carcinoma; BREAST CANCER, FAMILIAL. Identifiers: Orphanet 227535, MedGen C0346153, MONDO:0016419, OMIM 114480. Disease mechanism: loss of function.
Fanconi anemia complementation group J. Also called: BRIP1-Related Fanconi Anemia. Identifiers: Orphanet 84, MedGen C1836860, MONDO:0012187, OMIM 609054.

Submissions (2):

Ambry Genetics
Classification: Likely benign for Hereditary cancer-predisposing syndrome. Last evaluated: 2026-08-04. Review status: criteria provided, single submitter. Criteria: Ambry Variant Classification Scheme 2023. Collection method: clinical testing. Allele origin: germline.

Labcorp Genetics (formerly Invitae), Labcorp
Classification: Uncertain significance for Familial cancer of breast; Fanconi anemia complementation group J. Last evaluated: 2023-07-12. Review status: criteria provided, single submitter. Criteria: Invitae Variant Classification Sherloc (09022015). Collection method: clinical testing. Allele origin: germline.
Comment: In summary, the available evidence is currently insufficient to determine the role of this variant in disease. Therefore, it has been classified as a Variant of Uncertain Significance. Advanced modeling of protein sequence and biophysical properties (such as structural, functional, and spatial information, amino acid conservation, physicochemical variation, residue mobility, and thermodynamic stability) performed at Invitae indicates that this missense variant is not expected to disrupt BRIP1 protein function. ClinVar contains an entry for this variant (Variation ID: 530320). This variant has not been reported in the literature in individuals affected with BRIP1-related conditions. This variant is not present in population databases (gnomAD no frequency). This sequence change replaces threonine, which is neutral and polar, with alanine, which is neutral and non-polar, at codon 238 of the BRIP1 protein (p.Thr238Ala).

NM_032043.3(BRIP1):c.712A>G (p.Thr238Ala)

Gene: BRIP1 (BRCA1 interacting DNA helicase 1; minus strand). Cytogenetic location: 17q23.2.
Variant type: single nucleotide variant.
Coding change: c.712A>G on transcript NM_032043.3 (MANE Select); coding-DNA position 712, A replaced by G.
Protein change: p.Thr238Ala; replaces threonine 238 with alanine.
Molecular consequence: missense variant.
Genome position (GRCh38, 1-based): chr17:61,808,673, T>C on the plus strand (A>G on the coding strand, the complement: BRIP1 is on the minus strand). VCF-style: chr17-61808673-T-C. GRCh37 (hg19) VCF-style: chr17-59886034-T-C.
Other names: short protein forms T238A.
Identifiers: ClinVar variation 530320 (VCV000530320.10), dbSNP rs1490001091, ClinGen allele CA400485070.